The following is an entry in ClinVar:

ClinVar aggregate classification (germline): Benign/Likely benign. Review status: criteria provided, multiple submitters, no conflicts (2 of 4 stars). 8 submissions from 8 submitters: Benign (1); Likely benign (6). 1 of the submissions does not count toward it. Last evaluated 2026-05-21.

Conditions:
NF1-related disorder. Also called: NF1-related condition. Identifiers: MedGen CN379171.
Hereditary cancer-predisposing syndrome. Also called: Tumor predisposition; Neoplastic Syndromes, Hereditary; Hereditary neoplastic syndrome; Hereditary Cancer Syndrome. Identifiers: Orphanet 140162, MedGen C0027672, MeSH D009386, MONDO:0015356.
Neurofibromatosis, type 1 (NF1). Also called: NEUROFIBROMATOSIS, TYPE I, SOMATIC; Peripheral type neurofibromatosis; VON RECKLINGHAUSEN DISEASE; Neurofibromatosis, type I. Identifiers: Orphanet 636, MedGen C0027831, MONDO:0018975, OMIM 162200. Disease mechanism: loss of function.

Allele frequency attached by ClinVar (database versions not stated): ExAC 0.00003; gnomAD exomes 0.00003 and 0.00015; gnomAD 0.00004; TOPMed 0.00004; ESP Exome Variant Server 0.00008.
gnomAD v4.1: 224 of 1,613,936 alleles (0.014%); highest among the groups gnomAD compares: Non-Finnish European, 0.018%; no homozygotes.

Submissions (8):

Myriad Genetics, Inc.
Classification: Benign for Neurofibromatosis, type 1. Last evaluated: 2026-05-21. Review status: criteria provided, single submitter. Criteria: Myriad Autosomal Dominant, Autosomal Recessive and X-Linked Classification Criteria (2023). Collection method: clinical testing. Allele origin: unknown.
Comment: This variant is considered benign. This variant is a silent/synonymous amino acid change and it is not expected to impact splicing.

Labcorp Genetics (formerly Invitae), Labcorp
Classification: Likely benign for Neurofibromatosis, type 1. Last evaluated: 2026-01-25. Review status: criteria provided, single submitter. Criteria: Invitae Variant Classification Sherloc (09022015). Collection method: clinical testing. Allele origin: germline.

Women's Health and Genetics/Laboratory Corporation of America, LabCorp
Classification: Likely benign. Last evaluated: 2024-12-23. Review status: criteria provided, single submitter. Criteria: LabCorp Variant Classification Summary - May 2015. Collection method: clinical testing. Allele origin: germline.

Blueprint Genetics
Classification: Likely benign. Last evaluated: 2024-03-12. Review status: criteria provided, single submitter. Criteria: ACMG Guidelines, 2015. Collection method: clinical testing. Allele origin: germline.

Genome-Nilou Lab
Classification: Likely benign for Neurofibromatosis, type 1. Last evaluated: 2022-03-15. Review status: criteria provided, single submitter. Criteria: ACMG Guidelines, 2015. Collection method: clinical testing. Allele origin: germline. Affected: no.

GeneDx
Classification: Likely benign. Last evaluated: 2020-10-20. Review status: criteria provided, single submitter. Criteria: GeneDx Variant Classification Process June 2021. Collection method: clinical testing. Allele origin: germline. Affected: yes.

Ambry Genetics
Classification: Likely benign for Hereditary cancer-predisposing syndrome. Last evaluated: 2014-10-16. Review status: criteria provided, single submitter. Criteria: Ambry Autosomal Dominant and X-Linked criteria (10/2015). Collection method: clinical testing. Allele origin: germline. Observed: 1 variant allele.

PreventionGenetics, part of Exact Sciences
Classification: Likely benign for NF1-related condition. Last evaluated: 2020-04-13. Review status: no assertion criteria provided. Collection method: clinical testing. Allele origin: germline. Not counted in ClinVar's aggregate classification.
Comment: This variant is classified as likely benign based on ACMG/AMP sequence variant interpretation guidelines (Richards et al. 2015 PMID: 25741868, with internal and published modifications).

Literature cited by the submitters: PubMed 10678181 (cited by Women's Health and Genetics/Laboratory Corporation of America, LabCorp); PubMed 23460398 (cited by Women's Health and Genetics/Laboratory Corporation of America, LabCorp); PubMed 29872168 (cited by Women's Health and Genetics/Laboratory Corporation of America, LabCorp); PubMed 27069254 (cited by Women's Health and Genetics/Laboratory Corporation of America, LabCorp).

NM_001042492.3(NF1):c.6628T>C (p.Leu2210=)

Gene: NF1 (neurofibromin 1; plus strand). Cytogenetic location: 17q11.2.
Variant type: single nucleotide variant.
Coding change: c.6628T>C on transcript NM_001042492.3 (MANE Select); coding-DNA position 6628, T replaced by C.
Protein change: p.Leu2210=; no amino-acid change (leucine 2210 retained).
Molecular consequence: synonymous variant.
Genome position (GRCh38, 1-based): chr17:31,337,568, T>C. VCF-style: chr17-31337568-T-C. GRCh37 (hg19) VCF-style: chr17-29664586-T-C.
Other names: c.6565T>C, p.Leu2189= (NM_000267.4).
Identifiers: ClinVar variation 184213 (VCV000184213.20), dbSNP rs138265293, ClinGen allele CA188215.